The following is an entry in ClinVar:

NM_000426.4(LAMA2):c.8244+1G>C

Gene: LAMA2 (laminin subunit alpha 2; plus strand). Cytogenetic location: 6q22.33.
Variant type: single nucleotide variant.
Coding change: c.8244+1G>C on transcript NM_000426.4 (MANE Select); the canonical splice donor site of the intron after coding-DNA position 8244, G replaced by C.
Molecular consequence: splice donor variant.
Genome position (GRCh38, 1-based): chr6:129,492,484, G>C. VCF-style: chr6-129492484-G-C. GRCh37 (hg19) VCF-style: chr6-129813629-G-C.
Other names: c.8232+1G>C (NM_001079823.2).
Identifiers: ClinVar variation 2152019 (VCV002152019.4), dbSNP rs749522728, ClinGen allele CA365632498.

ClinVar aggregate classification (germline): Pathogenic (1 of 4 stars; one submission).

Conditions:
LAMA2-related muscular dystrophy (LAMA2-RD). Also called: Laminin alpha 2-related dystrophy. Identifiers: MedGen C5679788, MONDO:0100228.

Submission:

Labcorp Genetics (formerly Invitae), Labcorp
Classification: Pathogenic for LAMA2-related muscular dystrophy. Last evaluated: 2022-08-10. Review status: criteria provided, single submitter. Criteria: Invitae Variant Classification Sherloc (09022015). Collection method: clinical testing. Allele origin: germline.
Comment: Studies have shown that disruption of this splice site results in skipping of exon 58 and introduces a premature termination codon (PMID: 17949279). The resulting mRNA is expected to undergo nonsense-mediated decay. For these reasons, this variant has been classified as Pathogenic. Disruption of this splice site has been observed in individuals with congenital muscular dystrophy (PMID: 17949279, 19388593, 20207543, 30055037). This variant is not present in population databases (gnomAD no frequency). This sequence change affects a donor splice site in intron 58 of the LAMA2 gene. RNA analysis indicates that disruption of this splice site induces altered splicing and may result in an absent or disrupted protein product.

Literature cited by the submitters: PubMed 17949279; PubMed 19388593; PubMed 20207543; PubMed 30055037.